The following is an entry in ClinVar:

ClinVar aggregate classification (germline): Uncertain significance (1 of 4 stars; one submission).

Submission:

Labcorp Genetics (formerly Invitae), Labcorp
Classification: Uncertain significance. Last evaluated: 2025-07-02. Review status: criteria provided, single submitter. Criteria: Invitae Variant Classification Sherloc (09022015). Collection method: clinical testing. Allele origin: germline.
Comment: This sequence change affects a donor splice site in intron 23 of the TNNI3K gene. It is expected to disrupt RNA splicing. Variants that disrupt the donor or acceptor splice site typically lead to a loss of protein function (PMID: 16199547), however the current clinical and genetic evidence is not sufficient to establish whether loss-of-function variants in TNNI3K cause disease. This variant is not present in population databases (gnomAD no frequency). This variant has not been reported in the literature in individuals affected with TNNI3K-related conditions. Algorithms developed to predict the effect of sequence changes on RNA splicing suggest that this variant may disrupt the consensus splice site. In summary, the available evidence is currently insufficient to determine the role of this variant in disease. Therefore, it has been classified as a Variant of Uncertain Significance.

Literature cited by the submitters: PubMed 16199547.

NM_015978.3(TNNI3K):c.2351+1G>A

Genes: FPGT-TNNI3K (FPGT-TNNI3K readthrough; plus strand), LRRC53 (leucine rich repeat containing 53; minus strand), TNNI3K (TNNI3 interacting kinase; plus strand). Cytogenetic location: 1p31.1.
Variant type: single nucleotide variant.
Coding change: c.2351+1G>A on transcript NM_015978.3 (MANE Select); the canonical splice donor site of the intron after coding-DNA position 2351, G replaced by A.
Molecular consequence: splice donor variant. On other transcripts: intron variant (2).
Genome position (GRCh38, 1-based): chr1:74,492,267, G>A. VCF-style: chr1-74492267-G-A. GRCh37 (hg19) VCF-style: chr1-74957951-G-A.
Other names: c.2654+1G>A (NM_001112808.3); c.-8-11299C>T (NM_001364666.2); c.-26-8892C>T (NM_001382280.1).
Identifiers: ClinVar variation 4770013 (VCV004770013.1).